The following is an entry in ClinVar:

ClinVar aggregate classification (germline): Uncertain significance. Review status: criteria provided, multiple submitters, no conflicts (2 of 4 stars). 2 submissions from 2 submitters: Uncertain significance (2). Last evaluated 2021-10-23.

Conditions:
Autosomal recessive ataxia, Beauce type. Also called: SYNE1-Related Autosomal Recessive Cerebellar Ataxia; Spinocerebellar ataxia, autosomal recessive 8; ATAXIA, RECESSIVE, OF BEAUCE; SYNE1 Deficiency. Identifiers: Orphanet 88644, MedGen C1853116, MONDO:0012549, OMIM 610743.
Emery-Dreifuss muscular dystrophy 4, autosomal dominant (EDMD4). Also called: EMERY-DREIFUSS MUSCULAR DYSTROPHY 4 WITH VARIABLE FEATURES. Identifiers: Orphanet 261, MedGen C2751807, MONDO:0013071, OMIM 612998.

Allele frequency attached by ClinVar (database versions not stated): gnomAD 0.00001; TOPMed 0.00001.
gnomAD v4.1: 4 of 1,614,056 alleles (0.00025%); highest among the groups gnomAD compares: Admixed American, 0.0033%; no homozygotes.

Submissions (2):

Labcorp Genetics (formerly Invitae), Labcorp
Classification: Uncertain significance for Emery-Dreifuss muscular dystrophy 4, autosomal dominant; Autosomal recessive ataxia, Beauce type. Last evaluated: 2021-10-23. Review status: criteria provided, single submitter. Criteria: Invitae Variant Classification Sherloc (09022015). Collection method: clinical testing. Allele origin: germline.
Comment: This sequence change replaces glutamine with histidine at codon 4914 of the SYNE1 protein (p.Gln4914His). The glutamine residue is highly conserved and there is a small physicochemical difference between glutamine and histidine. This variant also falls at the last nucleotide of exon 77, which is part of the consensus splice site for this exon. This variant is not present in population databases (ExAC no frequency). This variant has not been reported in the literature in individuals affected with SYNE1-related conditions. Algorithms developed to predict the effect of missense changes on protein structure and function are either unavailable or do not agree on the potential impact of this missense change (SIFT: "Deleterious"; PolyPhen-2: "Probably Damaging"; Align-GVGD: "Class C15"). Variants that disrupt the consensus splice site are a relatively common cause of aberrant splicing (PMID: 17576681, 9536098). Algorithms developed to predict the effect of sequence changes on RNA splicing suggest that this variant may disrupt the consensus splice site. In summary, the available evidence is currently insufficient to determine the role of this variant in disease. Therefore, it has been classified as a Variant of Uncertain Significance.

Athena Diagnostics
Classification: Uncertain significance. Last evaluated: 2018-12-29. Review status: criteria provided, single submitter. Criteria: Athena Diagnostics Criteria. Collection method: clinical testing. Allele origin: germline.

Literature cited by the submitters: PubMed 17576681 (cited by Labcorp Genetics (formerly Invitae), Labcorp); PubMed 9536098 (cited by Labcorp Genetics (formerly Invitae), Labcorp).

NM_182961.4(SYNE1):c.14955G>C (p.Gln4985His)

Gene: SYNE1 (spectrin repeat containing nuclear envelope protein 1; minus strand). Cytogenetic location: 6q25.2.
Variant type: single nucleotide variant.
Coding change: c.14955G>C on transcript NM_182961.4 (MANE Select); coding-DNA position 14955, G replaced by C.
Protein change: p.Gln4985His; replaces glutamine 4985 with histidine.
Molecular consequence: missense variant.
Genome position (GRCh38, 1-based): chr6:152,329,730, C>G on the plus strand (G>C on the coding strand, the complement: SYNE1 is on the minus strand). VCF-style: chr6-152329730-C-G. GRCh37 (hg19) VCF-style: chr6-152650865-C-G.
Other names: c.14742G>C, p.Gln4914His (NM_033071.5); short protein forms Q4914H, Q4985H.
Identifiers: ClinVar variation 538409 (VCV000538409.5), dbSNP rs890021376, ClinGen allele CA150175247.